The following is an entry in ClinVar:

NM_181882.3(PRX):c.361C>T (p.Arg121Trp)

Gene: PRX (periaxin; minus strand). Cytogenetic location: 19q13.2.
Variant type: single nucleotide variant.
Coding change: c.361C>T on transcript NM_181882.3 (MANE Select); coding-DNA position 361, C replaced by T.
Protein change: p.Arg121Trp; replaces arginine 121 with tryptophan.
Molecular consequence: missense variant.
Genome position (GRCh38, 1-based): chr19:40,398,640, G>A on the plus strand (C>T on the coding strand, the complement: PRX is on the minus strand). VCF-style: chr19-40398640-G-A. GRCh37 (hg19) VCF-style: chr19-40904547-G-A.
Other names: c.361C>T, p.Arg121Trp (NM_020956.2); short protein forms R121W.
Identifiers: ClinVar variation 246283 (VCV000246283.18), dbSNP rs750435566, ClinGen allele CA9444496.
Genomic context (GRCh38, chr19:40,398,640, plus strand): 5'-TGGGGCAGTCCAGGGCCGGGGCCGGGCTAAGCACGCGTACCAGCTTGGCCACCTTGGCCC[G>A]CGGGCCCTTGATCTCGTAGCCAGACACGGTCCCGGGCCGCAGAGCCAGGTCCCCGGTGGG-3'
Protein context (NP_870998.2, residues 111-131): TVSGYEIKGP[Arg121Trp]AKVAKLNIQS

ClinVar aggregate classification (germline): Uncertain significance. Review status: criteria provided, multiple submitters, no conflicts (2 of 4 stars). 7 submissions from 7 submitters: Uncertain significance (7). Last evaluated 2026-09-05.

Conditions:
PRX-related disorder. Also called: PRX-Related Disorders; PRX-related condition.
Inborn genetic diseases. Identifiers: MedGen C0950123, MeSH D030342.
Charcot-Marie-Tooth disease. Also called: Charcot-Marie-Tooth Hereditary Neuropathy; Charcot-Marie-Tooth Neuropathy. Identifiers: Orphanet 166, MedGen C0007959, MONDO:0015626.
Charcot-Marie-Tooth disease type 4. Also called: Charcot-Marie-Tooth disease, type IV; Charcot-Marie-Tooth, Type 4. Identifiers: Orphanet 64749, MedGen C4082197, MONDO:0018995.
Charcot-Marie-Tooth disease type 4F. Also called: Charcot-Marie-Tooth disease, demyelinating, type 4F. Identifiers: Orphanet 99952, MedGen C3540453, MONDO:0013959, OMIM 614895.

Allele frequency attached by ClinVar (database versions not stated): ExAC 0.00005; gnomAD exomes 0.00006; TOPMed 0.00011; gnomAD 0.00027 and 0.00029.

Submissions (7):

GeneDx
Classification: Uncertain significance. Last evaluated: 2026-09-05. Review status: criteria provided, single submitter. Criteria: GeneDx Variant Classification Process June 2021. Collection method: clinical testing. Allele origin: germline.
Comment: Reported previously as a variant of uncertain significance in patients with a suspected diagnosis of Charcot-Marie-Tooth disease; however, clinical and segregation information was not provided (PMID: 32376792); In silico analysis supports that this missense variant has a deleterious effect on protein structure/function; This variant is associated with the following publications: (PMID: 25614874, 32376792)

Ambry Genetics
Classification: Uncertain significance for Inborn genetic diseases. Last evaluated: 2025-11-08. Review status: criteria provided, single submitter. Criteria: Ambry Variant Classification Scheme 2023. Collection method: clinical testing. Allele origin: germline.

PreventionGenetics, part of Exact Sciences
Classification: Uncertain significance for PRX-related condition. Last evaluated: 2025-06-13. Review status: criteria provided, single submitter. Criteria: ACMG Guidelines, 2015. Collection method: clinical testing. Allele origin: germline.
Comment: The PRX c.361C>T variant is predicted to result in the amino acid substitution p.Arg121Trp. This variant has been reported as a variant of uncertain significance in two individuals with Charcot-Marie-Tooth disease (Supplementary table 2, Volodarsky et al. 2021. PubMed ID: 32376792). This variant is reported in 0.023% of alleles in individuals of Latino descent in gnomAD. At this time, the clinical significance of this variant is uncertain due to the absence of conclusive functional and genetic evidence.

Blueprint Genetics
Classification: Uncertain significance. Last evaluated: 2024-05-30. Review status: criteria provided, single submitter. Criteria: ACMG Guidelines, 2015. Collection method: clinical testing. Allele origin: germline.

Labcorp Genetics (formerly Invitae), Labcorp
Classification: Uncertain significance for Charcot-Marie-Tooth disease type 4. Last evaluated: 2024-01-15. Review status: criteria provided, single submitter. Criteria: Invitae Variant Classification Sherloc (09022015). Collection method: clinical testing. Allele origin: germline.
Comment: This sequence change replaces arginine, which is basic and polar, with tryptophan, which is neutral and slightly polar, at codon 121 of the PRX protein (p.Arg121Trp). This variant is present in population databases (rs750435566, gnomAD 0.02%). This missense change has been observed in individual(s) with clinical features of Charcot-Marie-Tooth disease (PMID: 32376792). ClinVar contains an entry for this variant (Variation ID: 246283). An algorithm developed to predict the effect of missense changes on protein structure and function (PolyPhen-2) suggests that this variant is likely to be disruptive. In summary, the available evidence is currently insufficient to determine the role of this variant in disease. Therefore, it has been classified as a Variant of Uncertain Significance.

Illumina Laboratory Services, Illumina
Classification: Uncertain significance for Charcot-Marie-Tooth disease type 4F. Last evaluated: 2018-01-13. Review status: criteria provided, single submitter. Criteria: ICSL Variant Classification Criteria 13 December 2019. Collection method: clinical testing. Allele origin: germline.

Molecular Genetics Laboratory, London Health Sciences Centre
Classification: Uncertain significance for Charcot-Marie-Tooth disease. Review status: criteria provided, single submitter. Criteria: ACMG Guidelines, 2015. Collection method: clinical testing. Allele origin: germline. Affected: yes.

Literature cited by the submitters: PubMed 32376792 (cited by Labcorp Genetics (formerly Invitae), Labcorp).